The following is an entry in ClinVar:

NM_001394998.1(TANC2):c.2015A>T (p.Asp672Val)

Gene: TANC2 (tetratricopeptide repeat, ankyrin repeat and coiled-coil containing 2; plus strand). Cytogenetic location: 17q23.3.
Variant type: single nucleotide variant.
Coding change: c.2015A>T on transcript NM_001394998.1 (MANE Select); coding-DNA position 2015, A replaced by T.
Protein change: p.Asp672Val; replaces aspartic acid 672 with valine.
Molecular consequence: missense variant.
Genome position (GRCh38, 1-based): chr17:63,354,823, A>T. VCF-style: chr17-63354823-A-T. GRCh37 (hg19) VCF-style: chr17-61432184-A-T.
Other names: c.1793A>T, p.Asp598Val (NM_001411076.1, NM_025185.4); short protein forms D598V, D672V.
Identifiers: ClinVar variation 3341403 (VCV003341403.1).
Genomic context (GRCh38, chr17:63,354,823, plus strand): 5'-CTCTCTCTCCATCTTTTTAGGAAATTACCAAGCTGCTGCCTTTCCATAGGATTTTTTTGG[A>T]TCGACTAGAAGAGAATGAAGCCATAGACCAGGACCTGCAGGCTTACATCCTGCACCGGAT-3'
Protein context (NP_001381927.1, residues 662-682): KLLPFHRIFL[Asp672Val]RLEENEAIDQ

ClinVar aggregate classification (germline): Uncertain significance (1 of 4 stars; one submission).

Conditions:
Intellectual developmental disorder with autistic features and language delay, with or without seizures. Identifiers: MedGen C5394447, MONDO:0030051, OMIM 618906.

gnomAD v4.1: 1 of 1,580,690 alleles (0.000063%); highest among the groups gnomAD compares: Non-Finnish European, 0.000086%; no homozygotes.

Submission:

Neuberg Centre For Genomic Medicine, NCGM
Classification: Uncertain significance for Intellectual developmental disorder with autistic features and language delay, with or without seizures. Last evaluated: 2023-05-20. Review status: criteria provided, single submitter. Criteria: ACMG Guidelines, 2015. Collection method: clinical testing. Allele origin: germline. Inheritance: Autosomal dominant inheritance. Affected: yes.
Comment: The observed missense variant c.1793A>T (p.Asp598Val) in TANC2 gene has not been reported previously as a pathogenic variant nor as a benign variant, to our knowledge. The p.Asp598Val variant is absent in gnomAD Exomes. This variant has not been submitted to the ClinVar database. Multiple lines of computational evidence (Polyphen - Probably damaging, SIFT - Damaging and Mutation Taster - Disease causing) predict a damaging effect on protein structure and function for this variant. The amino acid change p.Asp598Val in TANC2 is predicted as conserved by GERP++ and PhyloP across 100 vertebrates. The amino acid Asp at position 598 is changed to a Val changing protein sequence and it might alter its composition and physico-chemical properties. For these reasons, this variant has been classified as Variant of Uncertain Significance (VUS).